The following is an entry in ClinVar:

ClinVar aggregate classification (germline): Uncertain significance. Review status: criteria provided, multiple submitters, no conflicts (2 of 4 stars). 3 submissions from 3 submitters: Uncertain significance (3). Last evaluated 2024-10-22.

Conditions:
Developmental and epileptic encephalopathy, 18 (DEE18). Also called: Early infantile epileptic encephalopathy 18. Identifiers: Orphanet 369894, MedGen C3809624, MONDO:0014201, OMIM 615476.

Allele frequency attached by ClinVar (database versions not stated): gnomAD 0.00001; TOPMed 0.00003; ExAC 0.00004; gnomAD exomes 0.00007.
gnomAD v4.1: 19 of 1,597,912 alleles (0.0012%); highest among the groups gnomAD compares: Admixed American, 0.03%; no homozygotes.

Submissions (3):

Labcorp Genetics (formerly Invitae), Labcorp
Classification: Uncertain significance. Last evaluated: 2024-10-22. Review status: criteria provided, single submitter. Criteria: Invitae Variant Classification Sherloc (09022015). Collection method: clinical testing. Allele origin: germline.
Comment: This sequence change replaces serine, which is neutral and polar, with glycine, which is neutral and non-polar, at codon 785 of the SZT2 protein (p.Ser785Gly). This variant is present in population databases (rs754599484, gnomAD 0.05%). This variant has not been reported in the literature in individuals affected with SZT2-related conditions. ClinVar contains an entry for this variant (Variation ID: 411925). Invitae Evidence Modeling of protein sequence and biophysical properties (such as structural, functional, and spatial information, amino acid conservation, physicochemical variation, residue mobility, and thermodynamic stability) indicates that this missense variant is not expected to disrupt SZT2 protein function with a negative predictive value of 80%. In summary, the available evidence is currently insufficient to determine the role of this variant in disease. Therefore, it has been classified as a Variant of Uncertain Significance.

Genome-Nilou Lab
Classification: Uncertain significance for Developmental and epileptic encephalopathy, 18. Last evaluated: 2023-04-11. Review status: criteria provided, single submitter. Criteria: ACMG Guidelines, 2015. Collection method: clinical testing. Allele origin: germline. Affected: no.

Fulgent Genetics
Classification: Uncertain significance for Developmental and epileptic encephalopathy, 18. Last evaluated: 2018-10-31. Review status: criteria provided, single submitter. Criteria: ACMG Guidelines, 2015. Collection method: clinical testing. Allele origin: unknown.

NM_001365999.1(SZT2):c.2353A>G (p.Ser785Gly)

Gene: SZT2 (SZT2 subunit of KICSTOR complex; plus strand). Cytogenetic location: 1p34.2.
Variant type: single nucleotide variant.
Coding change: c.2353A>G on transcript NM_001365999.1 (MANE Select); coding-DNA position 2353, A replaced by G.
Protein change: p.Ser785Gly; replaces serine 785 with glycine.
Molecular consequence: missense variant.
Genome position (GRCh38, 1-based): chr1:43,424,314, A>G. VCF-style: chr1-43424314-A-G. GRCh37 (hg19) VCF-style: chr1-43889985-A-G.
Other names: c.2353A>G, p.Ser785Gly (NM_015284.4); short protein forms S785G.
Identifiers: ClinVar variation 411925 (VCV000411925.12), dbSNP rs754599484, ClinGen allele CA808673.